The following is an entry in ClinVar:

NM_006059.4(LAMC3):c.4639G>C (p.Glu1547Gln)

Gene: LAMC3 (laminin subunit gamma 3; plus strand). Cytogenetic location: 9q34.12.
Variant type: single nucleotide variant.
Coding change: c.4639G>C on transcript NM_006059.4 (MANE Select); coding-DNA position 4639, G replaced by C.
Protein change: p.Glu1547Gln; replaces glutamic acid 1547 with glutamine.
Molecular consequence: missense variant.
Genome position (GRCh38, 1-based): chr9:131,091,698, G>C. VCF-style: chr9-131091698-G-C. GRCh37 (hg19) VCF-style: chr9-133967085-G-C.
Other names: short protein forms E1547Q.
Identifiers: ClinVar variation 1378901 (VCV001378901.4), dbSNP rs780728013, ClinGen allele CA200685798.
Genomic context (GRCh38, chr9:131,091,698, plus strand): 5'-AGGAAACTCAGTCTGCTGGAGCAGGAATCCCAGCAGCAGGAGCTGCAGATCCAGGGCTTC[G>C]AGAGTGACCTCGCCGAGATCCGCGCCGACAAACAGAACCTGGAGGCCATTCTGCACAGCC-3'
Protein context (NP_006050.3, residues 1537-1557): QQQELQIQGF[Glu1547Gln]SDLAEIRADK

ClinVar aggregate classification (germline): Uncertain significance (1 of 4 stars; one submission).

Submission:

Labcorp Genetics (formerly Invitae), Labcorp
Classification: Uncertain significance. Last evaluated: 2022-10-13. Review status: criteria provided, single submitter. Criteria: Invitae Variant Classification Sherloc (09022015). Collection method: clinical testing. Allele origin: germline.
Comment: ClinVar contains an entry for this variant (Variation ID: 1378901). This variant has not been reported in the literature in individuals affected with LAMC3-related conditions. This variant is present in population databases (no rsID available, gnomAD 0.009%). This sequence change replaces glutamic acid, which is acidic and polar, with glutamine, which is neutral and polar, at codon 1547 of the LAMC3 protein (p.Glu1547Gln). Algorithms developed to predict the effect of missense changes on protein structure and function are either unavailable or do not agree on the potential impact of this missense change (SIFT: "Tolerated"; PolyPhen-2: "Probably Damaging"; Align-GVGD: "Class C0"). In summary, the available evidence is currently insufficient to determine the role of this variant in disease. Therefore, it has been classified as a Variant of Uncertain Significance.